The following is an entry in ClinVar:

NM_020693.4(DSCAML1):c.5928G>A (p.Met1976Ile)

Gene: DSCAML1 (DS cell adhesion molecule like 1; minus strand). Cytogenetic location: 11q23.3.
Variant type: single nucleotide variant.
Coding change: c.5928G>A on transcript NM_020693.4 (MANE Select); coding-DNA position 5928, G replaced by A.
Protein change: p.Met1976Ile; replaces methionine 1976 with isoleucine.
Molecular consequence: missense variant.
Genome position (GRCh38, 1-based): chr11:117,428,562, C>T on the plus strand (G>A on the coding strand, the complement: DSCAML1 is on the minus strand). VCF-style: chr11-117428562-C-T. GRCh37 (hg19) VCF-style: chr11-117299278-C-T.
Other names: short protein forms M1976I.
Identifiers: ClinVar variation 1903828 (VCV001903828.5), dbSNP rs112326789, ClinGen allele CA229391852.

ClinVar aggregate classification (germline): Uncertain significance (1 of 4 stars; one submission).

Allele frequency attached by ClinVar (database versions not stated): TOPMed below 0.00001; gnomAD exomes 0.00001; gnomAD 0.00002.

Submission:

Labcorp Genetics (formerly Invitae), Labcorp
Classification: Uncertain significance. Last evaluated: 2022-10-04. Review status: criteria provided, single submitter. Criteria: Invitae Variant Classification Sherloc (09022015). Collection method: clinical testing. Allele origin: germline.
Comment: This sequence change replaces methionine, which is neutral and non-polar, with isoleucine, which is neutral and non-polar, at codon 2036 of the DSCAML1 protein (p.Met2036Ile). This variant is not present in population databases (gnomAD no frequency). This variant has not been reported in the literature in individuals affected with DSCAML1-related conditions. Algorithms developed to predict the effect of missense changes on protein structure and function are either unavailable or do not agree on the potential impact of this missense change (SIFT: "Deleterious"; PolyPhen-2: "Benign"; Align-GVGD: "Class C0"). In summary, the available evidence is currently insufficient to determine the role of this variant in disease. Therefore, it has been classified as a Variant of Uncertain Significance.